The following is an entry in ClinVar:

ClinVar aggregate classification (germline): Uncertain significance. Review status: criteria provided, multiple submitters, no conflicts (2 of 4 stars). 2 submissions from 2 submitters: Uncertain significance (2). Last evaluated 2022-09-23.

Conditions:
Developmental and epileptic encephalopathy, 2 (DEE2). Also called: INFANTILE SPASM SYNDROME, X-LINKED 2; CDKL5 deficiency disorder. Identifiers: Orphanet 1934, Orphanet 3451, Orphanet 505652, MedGen C4750718, MONDO:0010396, OMIM 300672.
Angelman syndrome-like. Identifiers: MedGen CN128785.

Allele frequency attached by ClinVar (database versions not stated): gnomAD exomes below 0.00001.
gnomAD v4.1: 1 of 1,198,500 alleles (0.000083%); highest among the groups gnomAD compares: Non-Finnish European, 0.00011%; no homozygotes.

Submissions (2):

Labcorp Genetics (formerly Invitae), Labcorp
Classification: Uncertain significance for Developmental and epileptic encephalopathy, 2; Angelman syndrome-like. Last evaluated: 2022-09-23. Review status: criteria provided, single submitter. Criteria: Invitae Variant Classification Sherloc (09022015). Collection method: clinical testing. Allele origin: germline.
Comment: In summary, the available evidence is currently insufficient to determine the role of this variant in disease. Therefore, it has been classified as a Variant of Uncertain Significance. Advanced modeling of protein sequence and biophysical properties (such as structural, functional, and spatial information, amino acid conservation, physicochemical variation, residue mobility, and thermodynamic stability) has been performed at Invitae for this missense variant, however the output from this modeling did not meet the statistical confidence thresholds required to predict the impact of this variant on CDKL5 protein function. ClinVar contains an entry for this variant (Variation ID: 1201172). This variant has not been reported in the literature in individuals affected with CDKL5-related conditions. This variant is not present in population databases (gnomAD no frequency). This sequence change replaces asparagine, which is neutral and polar, with histidine, which is basic and polar, at codon 146 of the CDKL5 protein (p.Asn146His).

GeneDx
Classification: Uncertain significance. Last evaluated: 2019-11-12. Review status: criteria provided, single submitter. Criteria: GeneDx Variant Classification Process June 2021. Collection method: clinical testing. Allele origin: germline. Affected: yes.
Comment: Not observed in large population cohorts (Lek et al., 2016); In silico analysis, which includes protein predictors and evolutionary conservation, supports a deleterious effect; Missense variants in nearby residues reported in the Human Gene Mutation Database (Stenson et al., 2014); Has not been previously published as pathogenic or benign to our knowledge

NM_001323289.2(CDKL5):c.436A>C (p.Asn146His)

Gene: CDKL5 (cyclin dependent kinase like 5; plus strand). Cytogenetic location: Xp22.13.
Variant type: single nucleotide variant.
Coding change: c.436A>C on transcript NM_001323289.2 (MANE Select); coding-DNA position 436, A replaced by C.
Protein change: p.Asn146His; replaces asparagine 146 with histidine.
Molecular consequence: missense variant.
Genome position (GRCh38, 1-based): chrX:18,581,923, A>C. VCF-style: chrX-18581923-A-C. GRCh37 (hg19) VCF-style: chrX-18600043-A-C.
Other names: c.436A>C, p.Asn146His (NM_001037343.2, NM_003159.3); short protein forms N146H.
Identifiers: ClinVar variation 1201172 (VCV001201172.8), dbSNP rs2147144038, ClinGen allele CA412350917.